The following is an entry in ClinVar:

NM_000245.4(MET):c.2897G>A (p.Ser966Asn)

Gene: MET (MET proto-oncogene, receptor tyrosine kinase; plus strand). Cytogenetic location: 7q31.2.
Variant type: single nucleotide variant.
Coding change: c.2897G>A on transcript NM_000245.4 (MANE Select); coding-DNA position 2897, G replaced by A.
Protein change: p.Ser966Asn; replaces serine 966 with asparagine.
Molecular consequence: missense variant.
Genome position (GRCh38, 1-based): chr7:116,771,858, G>A. VCF-style: chr7-116771858-G-A. GRCh37 (hg19) VCF-style: chr7-116411912-G-A.
Other names: c.2951G>A, p.Ser984Asn (NM_001127500.3); c.1607G>A, p.Ser536Asn (NM_001324402.2); short protein forms S536N, S966N, S984N.
Identifiers: ClinVar variation 954604 (VCV000954604.9), dbSNP rs1460031754, ClinGen allele CA368986944.

ClinVar aggregate classification (germline): Uncertain significance (1 of 4 stars; one submission).

Conditions:
Renal cell carcinoma. Identifiers: Orphanet 217071, MedGen C0007134, MeSH D002292, MONDO:0005086, HP:0005584.

Submission:

Labcorp Genetics (formerly Invitae), Labcorp
Classification: Uncertain significance for Renal cell carcinoma. Last evaluated: 2019-08-16. Review status: criteria provided, single submitter. Criteria: Invitae Variant Classification Sherloc (09022015). Collection method: clinical testing. Allele origin: germline.
Comment: Algorithms developed to predict the effect of missense changes on protein structure and function output the following: SIFT: "Tolerated"; PolyPhen-2: "Benign"; Align-GVGD: "Class C0". The asparagine amino acid residue is found in multiple mammalian species, suggesting that this missense change does not adversely affect protein function. These predictions have not been confirmed by published functional studies and their clinical significance is uncertain. This sequence change replaces serine with asparagine at codon 984 of the MET protein (p.Ser984Asn). The serine residue is moderately conserved and there is a small physicochemical difference between serine and asparagine. This variant is not present in population databases (ExAC no frequency). This variant has not been reported in the literature in individuals with MET-related conditions. In summary, the available evidence is currently insufficient to determine the role of this variant in disease. Therefore, it has been classified as a Variant of Uncertain Significance.